The following is an entry in ClinVar:

ClinVar aggregate classification (germline): Uncertain significance. Review status: criteria provided, multiple submitters, no conflicts (2 of 4 stars). 3 submissions from 3 submitters: Uncertain significance (3). Last evaluated 2025-06-25.

Conditions:
Marfan syndrome (MFS). Also called: MARFAN SYNDROME, TYPE I; Marfan syndrome type 1; Marfan's syndrome; Marfan syndrome, classic; FBN1-Related Marfan Syndrome. Identifiers: Orphanet 284963, Orphanet 558, MedGen C0024796, MONDO:0007947, OMIM 154700.
Familial thoracic aortic aneurysm and aortic dissection (TAAD). Also called: Thoracic aortic aneurysms and dissections. Identifiers: Orphanet 91387, MedGen C4707243, MONDO:0019625.

Submissions (3):

GeneDx
Classification: Uncertain significance. Last evaluated: 2025-06-25. Review status: criteria provided, single submitter. Criteria: GeneDx Variant Classification Process June 2021. Collection method: clinical testing. Allele origin: germline. Affected: yes.
Comment: Not observed at significant frequency in large population cohorts (gnomAD); In silico analysis supports that this missense variant has a deleterious effect on protein structure/function; Has not been previously published as pathogenic or benign to our knowledge; Does not affect a cysteine or calcium-binding residue within an EGF-like domain or a TGF-binding protein domain of the FBN1 gene; cysteine substitutions in the EGF-like domains represent the majority of pathogenic missense changes associated with FBN1-related disorders (PMID: 12938084); This variant is associated with the following publications: (PMID: 12938084)

Color Diagnostics, LLC DBA Color Health
Classification: Uncertain significance for Familial thoracic aortic aneurysm and aortic dissection. Last evaluated: 2025-06-23. Review status: criteria provided, single submitter. Criteria: ACMG Guidelines, 2015. Collection method: clinical testing. Allele origin: germline.
Comment: This missense variant replaces glutamine with leucine at codon 357 of the FBN1 protein. Computational prediction suggests that this variant may not impact protein structure and function. To our knowledge, functional studies have not been reported for this variant. This variant has not been reported in individuals affected with FBN1-related disorders in the literature. This variant has not been identified in the general population by the Genome Aggregation Database (gnomAD). The available evidence is insufficient to determine the role of this variant in disease conclusively. Therefore, this variant is classified as a Variant of Uncertain Significance.

All of Us Research Program, National Institutes of Health
Classification: Uncertain significance for Marfan syndrome. Last evaluated: 2023-08-15. Review status: criteria provided, single submitter. Criteria: ACMG Guidelines, 2015. Collection method: clinical testing. Allele origin: germline. Inheritance: Autosomal dominant inheritance. Observed: 2 variant alleles, 2 heterozygotes.
Comment: This missense variant replaces glutamine with leucine at codon 357 of the FBN1 protein. Computational prediction suggests that this variant may not impact protein structure and function (internally defined REVEL score threshold <= 0.5, PMID: 27666373). To our knowledge, functional studies have not been reported for this variant. This variant has not been reported in individuals affected with FBN1-related disorders in the literature. This variant has not been identified in the general population by the Genome Aggregation Database (gnomAD). The available evidence is insufficient to determine the role of this variant in disease conclusively. Therefore, this variant is classified as a Variant of Uncertain Significance.

This study involves interpretation of variants in research participants for the purpose of population health screening. Participant phenotype was not available at the time of variant classification. Additional details can be found in publication PMID: 35346344, PMCID: PMC8962531

NM_000138.5(FBN1):c.1070A>T (p.Gln357Leu)

Genes: FBN1 (fibrillin 1; minus strand), LOC113939944 (Sharpr-MPRA regulatory region 9539; plus strand). Cytogenetic location: 15q21.1.
Variant type: single nucleotide variant.
Coding change: c.1070A>T on transcript NM_000138.5 (MANE Select); coding-DNA position 1070, A replaced by T.
Protein change: p.Gln357Leu; replaces glutamine 357 with leucine.
Molecular consequence: missense variant.
Genome position (GRCh38, 1-based): chr15:48,520,736, T>A on the plus strand (A>T on the coding strand, the complement: FBN1 is on the minus strand). VCF-style: chr15-48520736-T-A. GRCh37 (hg19) VCF-style: chr15-48812933-T-A.
Other names: c.1070A>T, p.Gln357Leu (NM_001406716.1); short protein forms Q357L.
Identifiers: ClinVar variation 3071965 (VCV003071965.3), dbSNP rs2043846243, ClinGen allele CA392347602.